The following is an entry in ClinVar:

NM_000379.4(XDH):c.*912A>T

Gene: XDH (xanthine dehydrogenase; minus strand). Cytogenetic location: 2p23.1.
Variant type: single nucleotide variant.
Coding change: c.*912A>T on transcript NM_000379.4 (MANE Select); 912 bases downstream of the stop codon, A replaced by T.
Molecular consequence: 3 prime UTR variant.
Genome position (GRCh38, 1-based): chr2:31,335,046, T>A on the plus strand (A>T on the coding strand, the complement: XDH is on the minus strand). VCF-style: chr2-31335046-T-A. GRCh37 (hg19) VCF-style: chr2-31557912-T-A.
Identifiers: ClinVar variation 335744 (VCV000335744.5), dbSNP rs45456093, ClinGen allele CA10615268.

ClinVar aggregate classification (germline): Likely benign (1 of 4 stars; one submission).

Conditions:
Hereditary xanthinuria type 1 (XAN1). Identifiers: Orphanet 3467, Orphanet 93601, MedGen C0268118, MONDO:0010209, OMIM 278300.

Allele frequency attached by ClinVar (database versions not stated): gnomAD 0.00067 and 0.00084; TOPMed 0.00089; 1000 Genomes Project 30x 0.00219; 1000 Genomes Project 0.00220.

Submission:

Illumina Laboratory Services, Illumina
Classification: Likely benign for Hereditary xanthinuria type 1. Last evaluated: 2017-04-27. Review status: criteria provided, single submitter. Criteria: ICSL Variant Classification Criteria 13 December 2019. Collection method: clinical testing. Allele origin: germline.
Comment: This variant was observed as part of a predisposition screen in an ostensibly healthy population. A literature search was performed for the gene, cDNA change, and amino acid change (where applicable). No publications were found based on this search. Allele frequency data from public databases allowed determination this variant is unlikely to cause disease. Therefore, this variant is classified as likely benign.